The following is an entry in ClinVar:

ClinVar aggregate classification (germline): Uncertain significance. Review status: criteria provided, multiple submitters, no conflicts (2 of 4 stars). 2 submissions from 2 submitters: Uncertain significance (2). Last evaluated 2025-08-12.

Conditions:
Noonan syndrome (NS). Also called: Noonan's syndrome. Identifiers: Orphanet 648, MedGen C0028326, MeSH D009634, MONDO:0018997. Disease mechanism: gain of function.

Allele frequency attached by ClinVar (database versions not stated): TOPMed 0.00002; gnomAD 0.00003 and 0.00004; gnomAD exomes 0.00004.

Submissions (2):

Labcorp Genetics (formerly Invitae), Labcorp
Classification: Uncertain significance for Noonan syndrome. Last evaluated: 2025-08-12. Review status: criteria provided, single submitter. Criteria: Invitae Variant Classification Sherloc (09022015). Collection method: clinical testing. Allele origin: germline.
Comment: This sequence change replaces arginine, which is basic and polar, with glutamine, which is neutral and polar, at codon 13 of the RRAS protein (p.Arg13Gln). This variant is not present in population databases (gnomAD no frequency). This variant has not been reported in the literature in individuals affected with RRAS-related conditions. ClinVar contains an entry for this variant (Variation ID: 1354565). An algorithm developed to predict the effect of missense changes on protein structure and function outputs the following: PolyPhen-2: "Possibly Damaging". The glutamine amino acid residue is found in multiple mammalian species, which suggests that this missense change does not adversely affect protein function. In summary, the available evidence is currently insufficient to determine the role of this variant in disease. Therefore, it has been classified as a Variant of Uncertain Significance.

Ambry Genetics
Classification: Uncertain significance. Last evaluated: 2024-08-31. Review status: criteria provided, single submitter. Criteria: Ambry Variant Classification Scheme 2023. Collection method: clinical testing. Allele origin: germline.
Comment: The p.R13Q variant (also known as c.38G>A), located in coding exon 1 of the RRAS gene, results from a G to A substitution at nucleotide position 38. The arginine at codon 13 is replaced by glutamine, an amino acid with highly similar properties. This amino acid position is conserved. In addition, this alteration is predicted to be tolerated by in silico analysis. Based on the available evidence, the clinical significance of this variant remains unclear.

NM_006270.5(RRAS):c.38G>A (p.Arg13Gln)

Gene: RRAS (RAS related; minus strand). Cytogenetic location: 19q13.33.
Variant type: single nucleotide variant.
Coding change: c.38G>A on transcript NM_006270.5 (MANE Select); coding-DNA position 38, G replaced by A.
Protein change: p.Arg13Gln; replaces arginine 13 with glutamine.
Molecular consequence: missense variant.
Genome position (GRCh38, 1-based): chr19:49,640,061, C>T on the plus strand (G>A on the coding strand, the complement: RRAS is on the minus strand). VCF-style: chr19-49640061-C-T. GRCh37 (hg19) VCF-style: chr19-50143318-C-T.
Other names: c.38G>A (NM_006270.3); short protein forms R13Q.
Identifiers: ClinVar variation 1354565 (VCV001354565.9), dbSNP rs764597042, ClinGen allele CA9579176.